The following is an entry in ClinVar:

ClinVar aggregate classification (germline): Uncertain significance. Review status: criteria provided, multiple submitters, no conflicts (2 of 4 stars). 2 submissions from 2 submitters: Uncertain significance (2). Last evaluated 2025-12-18.

Conditions:
Ataxia-telangiectasia-like disorder (ATLD). Identifiers: MedGen C1858391, MONDO:0011457.
Hereditary cancer-predisposing syndrome. Also called: Tumor predisposition; Hereditary Cancer Syndrome; Hereditary neoplastic syndrome; Neoplastic Syndromes, Hereditary. Identifiers: Orphanet 140162, MedGen C0027672, MeSH D009386, MONDO:0015356.

Allele frequency attached by ClinVar (database versions not stated): gnomAD exomes below 0.00001; TOPMed below 0.00001.
gnomAD v4.1: 2 of 1,613,762 alleles (0.00012%); highest among the groups gnomAD compares: South Asian, 0.0011%; no homozygotes.

Submissions (2):

Ambry Genetics
Classification: Uncertain significance for Hereditary cancer-predisposing syndrome. Last evaluated: 2025-12-18. Review status: criteria provided, single submitter. Criteria: Ambry Variant Classification Scheme 2023. Collection method: clinical testing. Allele origin: germline.
Comment: The p.V433I variant (also known as c.1297G>A), located in coding exon 11 of the MRE11A gene, results from a G to A substitution at nucleotide position 1297. The valine at codon 433 is replaced by isoleucine, an amino acid with highly similar properties. This amino acid position is conserved. In addition, the in silico prediction for this alteration is inconclusive. Since supporting evidence is limited at this time, the clinical significance of this alteration remains unclear.

Labcorp Genetics (formerly Invitae), Labcorp
Classification: Uncertain significance for Ataxia-telangiectasia-like disorder. Last evaluated: 2025-02-24. Review status: criteria provided, single submitter. Criteria: Invitae Variant Classification Sherloc (09022015). Collection method: clinical testing. Allele origin: germline.
Comment: This sequence change replaces valine, which is neutral and non-polar, with isoleucine, which is neutral and non-polar, at codon 433 of the MRE11 protein (p.Val433Ile). This variant is not present in population databases (gnomAD no frequency). This variant has not been reported in the literature in individuals affected with MRE11-related conditions. ClinVar contains an entry for this variant (Variation ID: 1681588). An algorithm developed to predict the effect of missense changes on protein structure and function (PolyPhen-2) suggests that this variant is likely to be disruptive. In summary, the available evidence is currently insufficient to determine the role of this variant in disease. Therefore, it has been classified as a Variant of Uncertain Significance.

NM_005591.4(MRE11):c.1297G>A (p.Val433Ile)

Gene: MRE11 (MRE11 double strand break repair nuclease; minus strand). Cytogenetic location: 11q21.
Variant type: single nucleotide variant.
Coding change: c.1297G>A on transcript NM_005591.4 (MANE Select); coding-DNA position 1297, G replaced by A.
Protein change: p.Val433Ile; replaces valine 433 with isoleucine.
Molecular consequence: missense variant.
Genome position (GRCh38, 1-based): chr11:94,460,965, C>T on the plus strand (G>A on the coding strand, the complement: MRE11 is on the minus strand). VCF-style: chr11-94460965-C-T. GRCh37 (hg19) VCF-style: chr11-94194131-C-T.
Other names: c.1297G>A, p.Val433Ile (NM_001330347.2, NM_005590.4); c.1297G>A (NM_005591.3); short protein forms V433I.
Identifiers: ClinVar variation 1681588 (VCV001681588.7), dbSNP rs1194857623, ClinGen allele CA382372334.